The following is an entry in ClinVar:

NM_001127222.2(CACNA1A):c.3652_3653del (p.Pro1218fs)

Gene: CACNA1A (calcium voltage-gated channel subunit alpha1 A; minus strand). Cytogenetic location: 19p13.13.
Variant type: Deletion.
Coding change: c.3652_3653del on transcript NM_001127222.2 (MANE Select); coding-DNA positions 3652 to 3653, 2 bases deleted (CC; older notation c.3652_3653delCC).
Protein change: p.Pro1218fs; shifts the reading frame from proline 1218.
Molecular consequence: frameshift variant.
Genome position (GRCh38, 1-based): chr19:13,285,107-13,285,108, GG deleted on the plus strand (CC on the coding strand, the reverse complement: CACNA1A is on the minus strand). VCF-style (leftmost placement, unchanged base first): chr19-13285106-AGG-A. GRCh37 (hg19) VCF-style: chr19-13395920-AGG-A.
Other names: c.3664_3665del, p.Pro1222fs (NM_000068.4, NM_023035.3); c.3655_3656del, p.Pro1219fs (NM_001127221.2, NM_001174080.2); short protein forms P1219fs, P1222fs, P1218fs.
Identifiers: ClinVar variation 2122416 (VCV002122416.4), dbSNP rs2512848341, ClinGen allele CA2580096591.

ClinVar aggregate classification (germline): Pathogenic (1 of 4 stars; one submission).

Conditions:
Episodic ataxia type 2 (EA2). Also called: ACETAZOLAMIDE-RESPONSIVE HEREDITARY PAROXYSMAL CEREBELLAR ATAXIA; ATAXIA, EPISODIC, WITH NYSTAGMUS; ATAXIA, FAMILIAL PAROXYSMAL; CEREBELLAR ATAXIA, PAROXYSMAL, ACETAZOLAMIDE-RESPONSIVE; CEREBELLOPATHY, HEREDITARY PAROXYSMAL; EPISODIC ATAXIA, NYSTAGMUS-ASSOCIATED. Identifiers: Orphanet 97, MedGen C1720416, MONDO:0007163, OMIM 108500.
Developmental and epileptic encephalopathy, 42 (DEE42A). Also called: EPILEPTIC ENCEPHALOPATHY, EARLY INFANTILE, 42A; DEVELOPMENTAL AND EPILEPTIC ENCEPHALOPATHY 42A; Epileptic encephalopathy, early infantile, 42. Identifiers: MedGen C4310716, MONDO:0014917, OMIM 617106.

Submission:

Labcorp Genetics (formerly Invitae), Labcorp
Classification: Pathogenic for Developmental and epileptic encephalopathy, 42; Episodic ataxia type 2. Last evaluated: 2024-11-18. Review status: criteria provided, single submitter. Criteria: Invitae Variant Classification Sherloc (09022015). Collection method: clinical testing. Allele origin: germline.
Comment: This sequence change creates a premature translational stop signal (p.Pro1219Serfs*3) in the CACNA1A gene. It is expected to result in an absent or disrupted protein product. Loss-of-function variants in CACNA1A are known to be pathogenic (PMID: 10371528, 19486177, 25735478, 27250579). This variant is not present in population databases (gnomAD no frequency). This variant has not been reported in the literature in individuals affected with CACNA1A-related conditions. ClinVar contains an entry for this variant (Variation ID: 2122416). For these reasons, this variant has been classified as Pathogenic.

Literature cited by the submitters: PubMed 10371528; PubMed 19486177; PubMed 25735478; PubMed 27250579.